The following is an entry in ClinVar:

NM_001352514.2(HLCS):c.1892+301C>T

Gene: HLCS (holocarboxylase synthetase; minus strand). Cytogenetic location: 21q22.13.
Variant type: single nucleotide variant.
Coding change: c.1892+301C>T on transcript NM_001352514.2 (MANE Select); 301 bases into the intron after coding-DNA position 1892, C replaced by T.
Molecular consequence: intron variant.
Genome position (GRCh38, 1-based): chr21:36,896,559, G>A on the plus strand (C>T on the coding strand, the complement: HLCS is on the minus strand). VCF-style: chr21-36896559-G-A. GRCh37 (hg19) VCF-style: chr21-38268859-G-A.
Other names: c.1451+301C>T (NM_001352517.1, NM_001242785.2, NM_001352515.2 and 4 more transcripts).
Identifiers: ClinVar variation 680604 (VCV000680604.2), dbSNP rs1009778, ClinGen allele CA14902739.

ClinVar aggregate classification (germline): Benign. Review status: criteria provided, multiple submitters, no conflicts (2 of 4 stars). 2 submissions from 2 submitters: Benign (2). Last evaluated 2018-06-19.

Allele frequency attached by ClinVar (database versions not stated): gnomAD exomes 0.25181; gnomAD 0.36754 and 0.37249; TOPMed 0.38708; 1000 Genomes Project 0.44269.
gnomAD v4.1: 125,023 of 425,178 alleles (29%); highest among the groups gnomAD compares: African/African-American, 72%; 24,835 homozygotes.

Submissions (2):

GeneDx
Classification: Benign. Last evaluated: 2018-06-19. Review status: criteria provided, single submitter. Criteria: GeneDx Variant Classification (06012015). Collection method: clinical testing. Allele origin: germline. Affected: yes.
Comment: This variant is considered likely benign or benign based on one or more of the following criteria: it is a conservative change, it occurs at a poorly conserved position in the protein, it is predicted to be benign by multiple in silico algorithms, and/or has population frequency not consistent with disease.

Breakthrough Genomics
Classification: Benign. Review status: criteria provided, single submitter. Criteria: ACMG Guidelines, 2015. Collection method: not provided. Allele origin: germline. Inheritance: Autosomal recessive inheritance. Affected: yes.